The following is an entry in ClinVar:

ClinVar aggregate classification (germline): Pathogenic (1 of 4 stars; one submission).

Submission:

Labcorp Genetics (formerly Invitae), Labcorp
Classification: Pathogenic. Last evaluated: 2023-07-18. Review status: criteria provided, single submitter. Criteria: Invitae Variant Classification Sherloc (09022015). Collection method: clinical testing. Allele origin: germline.
Comment: This variant has not been reported in the literature in individuals affected with USH2A-related conditions. For these reasons, this variant has been classified as Pathogenic. Retrotransposon insertions including LINE1 (L1), Alu, and SVA (SINE-VNTR-Alu) have been reported to be disease-causing through disruption of either a coding region or splice site (PMID: 19763152, 20307669, 22406018) and loss-of-function variants in USH2A are known to be pathogenic (PMID: 10729113, 10909849, 20507924, 25649381). Algorithms developed to predict the effect of sequence changes on RNA splicing suggest that this variant may disrupt the consensus splice site. This sequence change inserts a large fragment of DNA, likely a transposable element, in exon 26 of the USH2A gene (c.5176_5177ins?), causing a frameshift at codon 1726 (p.Glu1726fs). The exact size and sequence of the insertion cannot be determined by the current assay. However, the insertion is expected to result in an absent or disrupted protein product.

Literature cited by the submitters: PubMed 19763152; PubMed 20307669; PubMed 22406018; PubMed 10729113; PubMed 10909849; PubMed 20507924; PubMed 25649381.

NC_000001.11:g.216083590_216083591insTTTTTTTTTTTTTTTTTTTTNNNNNNNNNNACCTCATGATCCACCCGCCTCGGCCTCCCAAAGTGCTGGGATTACAGGCGTGAGCCACCGCGCCCGGCCCCAGGAACCCTTT

Genes: USH2A (usherin; minus strand), USH2A-AS2 (USH2A antisense RNA 2; plus strand). Cytogenetic location: 1q41.
Variant type: Insertion.
Genome position: GRCh38: chr1:216,083,590-216,083,591. GRCh37 (hg19): chr1:216,256,932-216,256,933.
Identifiers: ClinVar variation 2744852 (VCV002744852.3).